The following is an entry in ClinVar:

ClinVar aggregate classification (germline): Uncertain significance. Review status: criteria provided, multiple submitters, no conflicts (2 of 4 stars). 2 submissions from 2 submitters: Uncertain significance (2). Last evaluated 2023-01-04.

Allele frequency attached by ClinVar (database versions not stated): ExAC 0.00002; TOPMed 0.00002; gnomAD 0.00003; gnomAD exomes 0.00004 and 0.00009.

Submissions (2):

Blueprint Genetics
Classification: Uncertain significance. Last evaluated: 2023-01-04. Review status: criteria provided, single submitter. Criteria: ACMG Guidelines, 2015. Collection method: clinical testing. Allele origin: germline.

Labcorp Genetics (formerly Invitae), Labcorp
Classification: Uncertain significance. Last evaluated: 2022-10-27. Review status: criteria provided, single submitter. Criteria: Invitae Variant Classification Sherloc (09022015). Collection method: clinical testing. Allele origin: germline.
Comment: This sequence change replaces proline, which is neutral and non-polar, with leucine, which is neutral and non-polar, at codon 857 of the TRPM1 protein (p.Pro857Leu). This variant is present in population databases (rs762157337, gnomAD 0.007%). This variant has not been reported in the literature in individuals affected with TRPM1-related conditions. ClinVar contains an entry for this variant (Variation ID: 854501). Algorithms developed to predict the effect of missense changes on protein structure and function (SIFT, PolyPhen-2, Align-GVGD) all suggest that this variant is likely to be disruptive. In summary, the available evidence is currently insufficient to determine the role of this variant in disease. Therefore, it has been classified as a Variant of Uncertain Significance.

NM_001252024.2(TRPM1):c.2636C>T (p.Pro879Leu)

Genes: TRPM1 (transient receptor potential cation channel subfamily M member 1; minus strand), TRPM1-AS1 (TRPM1 antisense RNA 1; plus strand). Cytogenetic location: 15q13.3.
Variant type: single nucleotide variant.
Coding change: c.2636C>T on transcript NM_001252024.2 (MANE Select); coding-DNA position 2636, C replaced by T.
Protein change: p.Pro879Leu; replaces proline 879 with leucine.
Molecular consequence: missense variant.
Genome position (GRCh38, 1-based): chr15:31,035,610, G>A on the plus strand (C>T on the coding strand, the complement: TRPM1 is on the minus strand). VCF-style: chr15-31035610-G-A. GRCh37 (hg19) VCF-style: chr15-31327813-G-A.
Other names: c.2687C>T, p.Pro896Leu (NM_001252020.2); c.2570C>T, p.Pro857Leu (NM_002420.6); short protein forms P879L, P896L, P857L.
Identifiers: ClinVar variation 854501 (VCV000854501.8), dbSNP rs762157337, ClinGen allele CA7452119.